The following is an entry in ClinVar:

NM_000321.3(RB1):c.138-5_146del

Gene: RB1 (RB transcriptional corepressor 1; plus strand). Cytogenetic location: 13q14.2.
Variant type: Deletion.
Coding change: c.138-5_146del on transcript NM_000321.3 (MANE Select); 5 bases into the intron before coding-DNA position 138 through coding-DNA position 146, 14 bases deleted (GGTAGGCTTGAGTT).
Molecular consequence: splice acceptor variant.
Genome position (GRCh38, 1-based): chr13:48,307,275-48,307,288, GGTAGGCTTGAGTT deleted; deleting any 14 consecutive bases within chr13:48,307,273-48,307,288 gives the same sequence; the c. name uses the placement nearest the transcript's 3' end. VCF-style (leftmost placement, unchanged base first): chr13-48307272-TTTGGTAGGCTTGAG-T. GRCh37 (hg19) VCF-style: chr13-48881408-TTTGGTAGGCTTGAG-T.
Other names: c.138-5_146del (NM_001407165.1, NM_001407166.1, NM_001407167.1).
Identifiers: ClinVar variation 3724045 (VCV003724045.2).

ClinVar aggregate classification (germline): Likely pathogenic (1 of 4 stars; one submission).

Conditions:
Retinoblastoma (RB1). Also called: RETINOBLASTOMA, SOMATIC. Identifiers: Orphanet 790, MedGen C0035335, MeSH D012175, MONDO:0008380, OMIM 180200, HP:0009919. Disease mechanism: loss of function. Inheritance: Both sporadic and heritable forms are tested..

Submission:

Labcorp Genetics (formerly Invitae), Labcorp
Classification: Likely pathogenic for Retinoblastoma. Last evaluated: 2024-10-29. Review status: criteria provided, single submitter. Criteria: Invitae Variant Classification Sherloc (09022015). Collection method: clinical testing. Allele origin: germline.
Comment: This variant results in the deletion of part of exon 2 (c.138-5_146del) of the RB1 gene. It is expected to disrupt RNA splicing. Variants that disrupt the donor or acceptor splice site typically lead to a loss of protein function (PMID: 16199547), and loss-of-function variants in RB1 are known to be pathogenic (PMID: 17096365). This variant is not present in population databases (gnomAD no frequency). This variant has not been reported in the literature in individuals affected with RB1-related conditions. In summary, the currently available evidence indicates that the variant is pathogenic, but additional data are needed to prove that conclusively. Therefore, this variant has been classified as Likely Pathogenic.

Literature cited by the submitters: PubMed 16199547; PubMed 17096365.